The following is an entry in ClinVar:

NM_004380.3(CREBBP):c.4471C>T (p.Gln1491Ter)

Gene: CREBBP (CREB binding lysine acetyltransferase; minus strand). Cytogenetic location: 16p13.3.
Variant type: single nucleotide variant.
Coding change: c.4471C>T on transcript NM_004380.3 (MANE Select); coding-DNA position 4471, C replaced by T.
Protein change: p.Gln1491Ter; replaces glutamine 1491 with a stop codon.
Molecular consequence: nonsense.
Genome position (GRCh38, 1-based): chr16:3,736,739, G>A on the plus strand (C>T on the coding strand, the complement: CREBBP is on the minus strand). VCF-style: chr16-3736739-G-A. GRCh37 (hg19) VCF-style: chr16-3786740-G-A.
Other names: c.4357C>T, p.Gln1453Ter (NM_001079846.1); short protein forms Q1453*, Q1491*.
Identifiers: ClinVar variation 2046705 (VCV002046705.4), dbSNP rs201156486, ClinGen allele CA394563756.
Genomic context (GRCh38, chr16:3,736,739, plus strand): 5'-ACGCCTTGTCCAGCATCTTTTTGTACCACTCCTGCAGTCGTTTTGGCTTGGGTATTTTTT[G>A]ATCAGGTGGGTGGCAATGGAAGATGTAATCATCTCCTTCACTTGGAGGACAGGCCCAGAT-3'

ClinVar aggregate classification (germline): Pathogenic (1 of 4 stars; one submission).

Conditions:
Rubinstein-Taybi syndrome (RSTS). Identifiers: Orphanet 783, MedGen C0035934, MONDO:0019188.

Submission:

Labcorp Genetics (formerly Invitae), Labcorp
Classification: Pathogenic for Rubinstein-Taybi syndrome. Last evaluated: 2021-12-18. Review status: criteria provided, single submitter. Criteria: Invitae Variant Classification Sherloc (09022015). Collection method: clinical testing. Allele origin: germline.
Comment: This sequence change creates a premature translational stop signal (p.Gln1491*) in the CREBBP gene. It is expected to result in an absent or disrupted protein product. Loss-of-function variants in CREBBP are known to be pathogenic (PMID: 17052327, 18792986). This variant is not present in population databases (gnomAD no frequency). This variant has not been reported in the literature in individuals affected with CREBBP-related conditions. For these reasons, this variant has been classified as Pathogenic.

Literature cited by the submitters: PubMed 17052327; PubMed 18792986.